The following is an entry in ClinVar:

NM_004064.5(CDKN1B):c.115G>C (p.Glu39Gln)

Gene: CDKN1B (cyclin dependent kinase inhibitor 1B; plus strand). Cytogenetic location: 12p13.1.
Variant type: single nucleotide variant.
Coding change: c.115G>C on transcript NM_004064.5 (MANE Select); coding-DNA position 115, G replaced by C.
Protein change: p.Glu39Gln; replaces glutamic acid 39 with glutamine.
Molecular consequence: missense variant.
Genome position (GRCh38, 1-based): chr12:12,717,954, G>C. VCF-style: chr12-12717954-G-C. GRCh37 (hg19) VCF-style: chr12-12870888-G-C.
Other names: c.115G>C (NM_004064.3); short protein forms E39Q.
Identifiers: ClinVar variation 1474132 (VCV001474132.7), dbSNP rs1592280796, ClinGen allele CA383968720.
Genomic context (GRCh38, chr12:12,717,954, plus strand): 5'-AGGCAGGCGGAGCACCCCAAGCCCTCGGCCTGCAGGAACCTCTTCGGCCCGGTGGACCAC[G>C]AAGAGTTAACCCGGGACTTGGAGAAGCACTGCAGAGACATGGAAGAGGCGAGCCAGCGCA-3'
Protein context (NP_004055.1, residues 29-49): CRNLFGPVDH[Glu39Gln]ELTRDLEKHC

ClinVar aggregate classification (germline): Uncertain significance. Review status: criteria provided, multiple submitters, no conflicts (2 of 4 stars). 2 submissions from 2 submitters: Uncertain significance (2). Last evaluated 2024-02-16.

Conditions:
Multiple endocrine neoplasia type 4. Also called: MULTIPLE ENDOCRINE NEOPLASIA, TYPE IV. Identifiers: Orphanet 276152, MedGen C1970712, MONDO:0012552, OMIM 610755.
Hereditary cancer-predisposing syndrome. Also called: Hereditary neoplastic syndrome; Tumor predisposition; Neoplastic Syndromes, Hereditary; Hereditary Cancer Syndrome. Identifiers: Orphanet 140162, MedGen C0027672, MeSH D009386, MONDO:0015356.

Submissions (2):

Ambry Genetics
Classification: Uncertain significance for Hereditary cancer-predisposing syndrome. Last evaluated: 2024-02-16. Review status: criteria provided, single submitter. Criteria: Ambry Variant Classification Scheme 2023. Collection method: clinical testing. Allele origin: germline.
Comment: The p.E39Q variant (also known as c.115G>C), located in coding exon 1 of the CDKN1B gene, results from a G to C substitution at nucleotide position 115. The glutamic acid at codon 39 is replaced by glutamine, an amino acid with highly similar properties. This amino acid position is well conserved in available vertebrate species. In addition, the in silico prediction for this alteration is inconclusive. Based on the available evidence, the clinical significance of this alteration remains unclear.

Labcorp Genetics (formerly Invitae), Labcorp
Classification: Uncertain significance for Multiple endocrine neoplasia type 4. Last evaluated: 2021-09-25. Review status: criteria provided, single submitter. Criteria: Invitae Variant Classification Sherloc (09022015). Collection method: clinical testing. Allele origin: germline.
Comment: In summary, the available evidence is currently insufficient to determine the role of this variant in disease. Therefore, it has been classified as a Variant of Uncertain Significance. Algorithms developed to predict the effect of missense changes on protein structure and function are either unavailable or do not agree on the potential impact of this missense change (SIFT: "Deleterious"; PolyPhen-2: "Benign"; Align-GVGD: "Class C25"). This variant has not been reported in the literature in individuals with CDKN1B-related conditions. This variant is not present in population databases (ExAC no frequency). This sequence change replaces glutamic acid with glutamine at codon 39 of the CDKN1B protein (p.Glu39Gln). The glutamic acid residue is highly conserved and there is a small physicochemical difference between glutamic acid and glutamine.